The following is an entry in ClinVar:

NM_012123.4(MTO1):c.1907G>T (p.Arg636Leu)

Gene: MTO1 (mitochondrial tRNA translation optimization 1; plus strand). Cytogenetic location: 6q13.
Variant type: single nucleotide variant.
Coding change: c.1907G>T on transcript NM_012123.4 (MANE Select); coding-DNA position 1907, G replaced by T.
Protein change: p.Arg636Leu; replaces arginine 636 with leucine.
Molecular consequence: missense variant.
Genome position (GRCh38, 1-based): chr6:73,497,886, G>T. VCF-style: chr6-73497886-G-T. GRCh37 (hg19) VCF-style: chr6-74207609-G-T.
Other names: c.2027G>T, p.Arg676Leu (NM_001123226.2); c.1982G>T, p.Arg661Leu (NM_133645.3); short protein forms R636L, R661L, R676L.
Identifiers: ClinVar variation 4890820 (VCV004890820.1).

ClinVar aggregate classification (germline): Uncertain significance (1 of 4 stars; one submission).

Conditions:
Mitochondrial hypertrophic cardiomyopathy with lactic acidosis due to MTO1 deficiency. Also called: CARDIOMYOPATHY, INFANTILE HYPERTROPHIC MITOCHONDRIAL, AND LACTIC ACIDOSIS; Combined oxidative phosphorylation deficiency 10. Identifiers: Orphanet 314637, MedGen C4749921, MONDO:0013865, OMIM 614702.

Submission:

Helix
Classification: Uncertain significance for Mitochondrial hypertrophic cardiomyopathy with lactic acidosis due to MTO1 deficiency. Last evaluated: 2026-03-26. Review status: criteria provided, single submitter. Criteria: ACMG Guidelines, 2015. Collection method: clinical testing. Allele origin: germline. Inheritance: Autosomal recessive inheritance.
Comment: This variant (NM_012123.4:c.1907G>T p.Arg636Leu) results in the substitution of arginine with leucine at codon 636 in the MTO1 protein. It is a rare variant that is absent from the large gnomAD population database (v4.1). To our knowledge, this variant has not been reported in individuals with MTO1-related conditions in the published literature. In silico prediction from REVEL (PMID: 27666373) is indeterminate. In conclusion, since the available evidence is limited, the clinical significance of this variant is unclear at this time. Therefore, it is classified as a Variant of Uncertain Significance.